The following is an entry in ClinVar:

NM_014423.4(AFF4):c.2567A>G (p.Lys856Arg)

Gene: AFF4 (ALF transcription elongation factor 4; minus strand). Cytogenetic location: 5q31.1.
Variant type: single nucleotide variant.
Coding change: c.2567A>G on transcript NM_014423.4 (MANE Select); coding-DNA position 2567, A replaced by G.
Protein change: p.Lys856Arg; replaces lysine 856 with arginine.
Molecular consequence: missense variant.
Genome position (GRCh38, 1-based): chr5:132,892,234, T>C on the plus strand (A>G on the coding strand, the complement: AFF4 is on the minus strand). VCF-style: chr5-132892234-T-C. GRCh37 (hg19) VCF-style: chr5-132227926-T-C.
Other names: short protein forms K856R.
Identifiers: ClinVar variation 3092746 (VCV003092746.2), dbSNP rs770762827, ClinGen allele CA3408901.
Genomic context (GRCh38, chr5:132,892,234, plus strand): 5'-TTGGAGCTACTGGAAGTCTTCCCTTCGGTCTTCTTCTGCTTTGATGTGGAGGAACTGTTT[T>C]TGCTGCTGCCACTCGTCTCCTTGTTGCTGTTACTGCTTGACTTTAAGGAAGAAGACTGAC-3'
Protein context (NP_055238.1, residues 846-866): NSNKETSGSS[Lys856Arg]NSSSTSKQKK

ClinVar aggregate classification (germline): Conflicting classifications of pathogenicity. Review status: criteria provided, conflicting classifications (1 of 4 stars). 2 submissions from 2 submitters: Uncertain significance (1); Likely benign (1). Last evaluated 2025-05-02.

Conditions:
Inborn genetic diseases. Identifiers: MedGen C0950123, MeSH D030342.
AFF4-related disorder. Also called: AFF4-related condition.

Allele frequency attached by ClinVar (database versions not stated): gnomAD exomes 0.00003; gnomAD 0.00004; TOPMed 0.00004; ExAC 0.00006.
gnomAD v4.1: 46 of 1,614,018 alleles (0.0029%); highest among the groups gnomAD compares: East Asian, 0.029%; no homozygotes.

Submissions (2):

PreventionGenetics, part of Exact Sciences
Classification: Uncertain significance for AFF4-related condition. Last evaluated: 2025-05-02. Review status: criteria provided, single submitter. Criteria: ACMG Guidelines, 2015. Collection method: clinical testing. Allele origin: germline.
Comment: The AFF4 c.2567A>G variant is predicted to result in the amino acid substitution p.Lys856Arg. To our knowledge, this variant has not been reported in the literature. This variant is reported in 0.030% of alleles in individuals of East Asian descent in gnomAD. At this time, the clinical significance of this variant is uncertain due to the absence of conclusive functional and genetic evidence.

Ambry Genetics
Classification: Likely benign for Inborn genetic diseases. Last evaluated: 2024-02-05. Review status: criteria provided, single submitter. Criteria: Ambry Variant Classification Scheme 2023. Collection method: clinical testing. Allele origin: germline.